The following is an entry in ClinVar:

ClinVar aggregate classification (germline): Uncertain significance. Review status: criteria provided, multiple submitters, no conflicts (2 of 4 stars). 2 submissions from 2 submitters: Uncertain significance (2). Last evaluated 2024-01-28.

Conditions:
Hereditary cancer-predisposing syndrome. Also called: Tumor predisposition; Hereditary neoplastic syndrome; Neoplastic Syndromes, Hereditary; Hereditary Cancer Syndrome. Identifiers: Orphanet 140162, MedGen C0027672, MeSH D009386, MONDO:0015356.
Familial adenomatous polyposis 1 (FAP1). Also called: FAMILIAL ADENOMATOUS POLYPOSIS 1, ATTENUATED; POLYPOSIS, ADENOMATOUS INTESTINAL. Identifiers: MedGen C2713442, MONDO:0021056, OMIM 175100. Disease mechanism: loss of function.

Allele frequency attached by ClinVar (database versions not stated): gnomAD exomes below 0.00001.
gnomAD v4.1: 1 of 1,611,496 alleles (0.000062%); highest among the groups gnomAD compares: Non-Finnish European, 0.000085%; no homozygotes.

Submissions (2):

Color Diagnostics, LLC DBA Color Health
Classification: Uncertain significance for Hereditary cancer-predisposing syndrome. Last evaluated: 2024-01-28. Review status: criteria provided, single submitter. Criteria: ACMG Guidelines, 2015. Collection method: clinical testing. Allele origin: germline.
Comment: This missense variant replaces isoleucine with threonine at codon 2181 of the APC protein. Computational prediction suggests that this variant may not impact protein structure and function (internally defined REVEL score threshold <= 0.5, PMID: 27666373). To our knowledge, functional studies have not been reported for this variant. This variant has not been reported in individuals affected with APC-related disorders in the literature. This variant has not been identified in the general population by the Genome Aggregation Database (gnomAD). The available evidence is insufficient to determine the role of this variant in disease conclusively. Therefore, this variant is classified as a Variant of Uncertain Significance.

Labcorp Genetics (formerly Invitae), Labcorp
Classification: Uncertain significance for Familial adenomatous polyposis 1. Last evaluated: 2019-03-22. Review status: criteria provided, single submitter. Criteria: Invitae Variant Classification Sherloc (09022015). Collection method: clinical testing. Allele origin: germline.
Comment: In summary, the available evidence is currently insufficient to determine the role of this variant in disease. Therefore, it has been classified as a Variant of Uncertain Significance. This sequence change replaces isoleucine with threonine at codon 2181 of the APC protein (p.Ile2181Thr). The isoleucine residue is moderately conserved and there is a moderate physicochemical difference between isoleucine and threonine. This variant is not present in population databases (ExAC no frequency). This variant has not been reported in the literature in individuals with APC-related conditions. Algorithms developed to predict the effect of missense changes on protein structure and function (SIFT, PolyPhen-2, Align-GVGD) all suggest that this variant is likely to be tolerated, but these predictions have not been confirmed by published functional studies and their clinical significance is uncertain.

NM_000038.6(APC):c.6542T>C (p.Ile2181Thr)

Gene: APC (APC regulator of Wnt signaling pathway; plus strand). Cytogenetic location: 5q22.2.
Variant type: single nucleotide variant.
Coding change: c.6542T>C on transcript NM_000038.6 (MANE Select); coding-DNA position 6542, T replaced by C.
Protein change: p.Ile2181Thr; replaces isoleucine 2181 with threonine.
Molecular consequence: missense variant.
Genome position (GRCh38, 1-based): chr5:112,842,136, T>C. VCF-style: chr5-112842136-T-C. GRCh37 (hg19) VCF-style: chr5-112177833-T-C.
Other names: c.6542T>C, p.Ile2181Thr (NM_001127510.3, NM_001354895.2); c.6488T>C, p.Ile2163Thr (NM_001127511.3); c.6596T>C, p.Ile2199Thr (NM_001354896.2); c.6572T>C, p.Ile2191Thr (NM_001354897.2); c.6467T>C, p.Ile2156Thr (NM_001354898.2); c.6458T>C, p.Ile2153Thr (NM_001354899.2); c.6419T>C, p.Ile2140Thr (NM_001354900.2); c.6365T>C, p.Ile2122Thr (NM_001354901.2); and 5 more; short protein forms I2080T, I2140T, I2163T, I2181T, I2199T, I2055T, I2090T, I2191T.
Identifiers: ClinVar variation 857595 (VCV000857595.12), dbSNP rs1766240794, ClinGen allele CA16035644.